The following is an entry in ClinVar:

NC_000017.11:g.15229779_15265326dup

Genes: MIR4731 (microRNA 4731; minus strand), PMP22 (peripheral myelin protein 22; minus strand), LOC130060307 (ATAC-STARR-seq lymphoblastoid silent region 8211; plus strand). Cytogenetic location: 17p12.
Variant type: Duplication.
Identifiers: ClinVar variation 4082242 (VCV004082242.1).

ClinVar aggregate classification (germline): Pathogenic (1 of 4 stars; one submission).

Conditions:
Tip-toe gait. Also called: Toe walking. Identifiers: MedGen C0427144, HP:0030051.

Submission:

Practice for Gait Abnormalities, David Pomarino, Competency Network Toe Walking C/o Practice Pomarino
Classification: Pathogenic for Tip-toe gait. Last evaluated: 2023-06-13. Review status: criteria provided, single submitter. Criteria: Pomarino et al. (Glob Med Genet. 2023). Collection method: clinical testing. Allele origin: germline. Affected: yes. Observed: 1 variant allele, 1 heterozygote.
Comment: A group of 1,200 children who walk on their toes was examined. Among these children, 2.1% had a PMP22-associated disorder.